The following is an entry in ClinVar:

ClinVar aggregate classification (germline): Uncertain significance. Review status: criteria provided, multiple submitters, no conflicts (2 of 4 stars). 2 submissions from 2 submitters: Uncertain significance (2). Last evaluated 2024-08-20.

Conditions:
Retinitis pigmentosa 30 (RP30). Identifiers: Orphanet 791, MedGen C1842816, MONDO:0011935, OMIM 607921.

Allele frequency attached by ClinVar (database versions not stated): gnomAD exomes 0.00002 and 0.00001; gnomAD 0.00002 and 0.00003; TOPMed 0.00003.
gnomAD v4.1: 38 of 1,530,100 alleles (0.0025%); highest among the groups gnomAD compares: Non-Finnish European, 0.0031%; no homozygotes.

Submissions (3):

Labcorp Genetics (formerly Invitae), Labcorp
Classification: Uncertain significance. Last evaluated: 2024-08-20. Review status: criteria provided, single submitter. Criteria: Invitae Variant Classification Sherloc (09022015). Collection method: clinical testing. Allele origin: germline.
Comment: This sequence change replaces asparagine, which is neutral and polar, with serine, which is neutral and polar, at codon 278 of the FSCN2 protein (p.Asn278Ser). This variant is present in population databases (no rsID available, gnomAD 0.003%). This variant has not been reported in the literature in individuals affected with FSCN2-related conditions. ClinVar contains an entry for this variant (Variation ID: 845050). An algorithm developed to predict the effect of missense changes on protein structure and function (PolyPhen-2) suggests that this variant is likely to be tolerated. In summary, the available evidence is currently insufficient to determine the role of this variant in disease. Therefore, it has been classified as a Variant of Uncertain Significance.

Institute of Human Genetics, University of Leipzig Medical Center
Classification: Uncertain significance for Retinitis pigmentosa 30. Last evaluated: 2019-01-01. Review status: criteria provided, single submitter. Criteria: ACMG Guidelines, 2015. Collection method: clinical testing. Allele origin: unknown. Affected: yes.

Dr. Peter K. Rogan Lab, Western University
No classification provided (evidence only). Condition: Sarcoma. Review status: no classification provided. Collection method: in vitro. Allele origin: not applicable. Functional consequence: retained intron. Not counted in ClinVar's aggregate classification.

NM_012418.4(FSCN2):c.833A>G (p.Asn278Ser)

Gene: FSCN2 (fascin actin-bundling protein 2, retinal; plus strand). Cytogenetic location: 17q25.3.
Variant type: single nucleotide variant.
Coding change: c.833A>G on transcript NM_012418.4 (MANE Select); coding-DNA position 833, A replaced by G.
Protein change: p.Asn278Ser; replaces asparagine 278 with serine.
Molecular consequence: missense variant.
Genome position (GRCh38, 1-based): chr17:81,535,058, A>G. VCF-style: chr17-81535058-A-G. GRCh37 (hg19) VCF-style: chr17-79502084-A-G.
Other names: c.833A>G, p.Asn278Ser (NM_001077182.3); short protein forms N278S.
Identifiers: ClinVar variation 845050 (VCV000845050.11), dbSNP rs988890666, ClinGen allele CA295084103.